The following is an entry in ClinVar:

ClinVar aggregate classification (germline): Uncertain significance (1 of 4 stars; one submission).

Allele frequency attached by ClinVar (database versions not stated): gnomAD exomes below 0.00001.
gnomAD v4.1: 2 of 1,614,048 alleles (0.00012%); highest among the groups gnomAD compares: Non-Finnish European, 0.00017%; no homozygotes.

Submission:

GeneDx
Classification: Uncertain significance. Last evaluated: 2023-03-09. Review status: criteria provided, single submitter. Criteria: GeneDx Variant Classification Process June 2021. Collection method: clinical testing. Allele origin: germline. Affected: yes.
Comment: In silico analysis supports that this missense variant has a deleterious effect on protein structure/function; Has not been previously published as pathogenic or benign to our knowledge

NM_002860.4(ALDH18A1):c.934G>A (p.Val312Met)

Gene: ALDH18A1 (aldehyde dehydrogenase 18 family member A1; minus strand). Cytogenetic location: 10q24.1.
Variant type: single nucleotide variant.
Coding change: c.934G>A on transcript NM_002860.4 (MANE Select); coding-DNA position 934, G replaced by A.
Protein change: p.Val312Met; replaces valine 312 with methionine.
Molecular consequence: missense variant.
Genome position (GRCh38, 1-based): chr10:95,627,586, C>T on the plus strand (G>A on the coding strand, the complement: ALDH18A1 is on the minus strand). VCF-style: chr10-95627586-C-T. GRCh37 (hg19) VCF-style: chr10-97387343-C-T.
Other names: c.928G>A, p.Val310Met (NM_001017423.2, NM_001323415.2); c.601G>A, p.Val201Met (NM_001323412.2, NM_001323416.2); c.934G>A, p.Val312Met (NM_001323413.2, NM_001323414.2); c.829G>A, p.Val277Met (NM_001323417.2); c.595G>A, p.Val199Met (NM_001323418.2); c.298G>A, p.Val100Met (NM_001323419.2); short protein forms V100M, V199M, V201M, V277M, V310M, V312M.
Identifiers: ClinVar variation 2579350 (VCV002579350.1), dbSNP rs1390507818, ClinGen allele CA377703815.
Genomic context (GRCh38, chr10:95,627,586, plus strand): 5'-GGGTTCCATTGGCAATAACAACAGAAGTGCCACCTTGCAAAGCCCAGAGGGCTGCTTTCA[C>T]CTAATGAGACAGGTTAGATCCAGTAAAGATGAGATTCAGACCTATTCACCCACATTTTAA-3'
Protein context (NP_002851.2, residues 302-322): RVGMGGMEAK[Val312Met]KAALWALQGG